The following is an entry in ClinVar:

ClinVar aggregate classification (germline): Likely benign (0 of 4 stars; one submission).

Conditions:
JMJD7-PLA2G4B-related disorder. Also called: JMJD7-PLA2G4B-related condition.

Allele frequency attached by ClinVar (database versions not stated): ExAC 0.00009; 1000 Genomes Project 30x 0.00016; 1000 Genomes Project 0.00020; gnomAD 0.00033; ESP Exome Variant Server 0.00038; TOPMed 0.00039.
gnomAD v4.1: 80 of 1,614,178 alleles (0.005%); highest among the groups gnomAD compares: African/African-American, 0.099%; no homozygotes.

Submission:

PreventionGenetics, part of Exact Sciences
Classification: Likely benign for JMJD7-PLA2G4B-related condition. Last evaluated: 2019-06-27. Review status: no assertion criteria provided. Collection method: clinical testing. Allele origin: germline.
Comment: This variant is classified as likely benign based on ACMG/AMP sequence variant interpretation guidelines (Richards et al. 2015 PMID: 25741868, with internal and published modifications).

NM_005090.4(JMJD7-PLA2G4B):c.1608G>C (p.Gly536=)

Genes: JMJD7-PLA2G4B (JMJD7-PLA2G4B readthrough; plus strand), PLA2G4B (phospholipase A2 group IVB; plus strand). Cytogenetic location: 15q15.1.
Variant type: single nucleotide variant.
Coding change: c.1608G>C on transcript NM_005090.4; coding-DNA position 1608, G replaced by C.
Protein change: p.Gly536=; no amino-acid change (glycine 536 retained).
Molecular consequence: synonymous variant.
Genome position (GRCh38, 1-based): chr15:41,844,506, G>C. VCF-style: chr15-41844506-G-C. GRCh37 (hg19) VCF-style: chr15-42136704-G-C.
Other names: c.915G>C, p.Gly305= (NM_001114633.2); c.1608G>C, p.Gly536= (NM_001198588.2).
Identifiers: ClinVar variation 3043559 (VCV003043559.2), dbSNP rs140661399, ClinGen allele CA7499871.
Genomic context (GRCh38, chr15:41,844,506, plus strand): 5'-CAGGCCTGGCTCTCTTCTTTTCCAGATCCCAGTGGTAGCTATTATGGCCACTGGTGGTGG[G>C]ATCCGGGCAATGACTTCCCTGTATGGGCAGCTGGCTGGCCTGAAGGAGCTGGGCCTCTTG-3'